The following is an entry in ClinVar:

ClinVar aggregate classification (germline): Uncertain significance (1 of 4 stars; one submission).

Submission:

Ambry Genetics
Classification: Uncertain significance. Last evaluated: 2024-11-17. Review status: criteria provided, single submitter. Criteria: Ambry Variant Classification Scheme 2023. Collection method: clinical testing. Allele origin: germline.
Comment: The p.T240I variant (also known as c.719C>T), located in coding exon 5 of the CTNNA3 gene, results from a C to T substitution at nucleotide position 719. The threonine at codon 240 is replaced by isoleucine, an amino acid with similar properties. This amino acid position is conserved. In addition, this alteration is predicted to be tolerated by in silico analysis. Based on the available evidence, the clinical significance of this variant remains unclear.

NM_013266.4(CTNNA3):c.719C>T (p.Thr240Ile)

Gene: CTNNA3 (catenin alpha 3; minus strand). Cytogenetic location: 10q21.3.
Variant type: single nucleotide variant.
Coding change: c.719C>T on transcript NM_013266.4 (MANE Select); coding-DNA position 719, C replaced by T.
Protein change: p.Thr240Ile; replaces threonine 240 with isoleucine.
Molecular consequence: missense variant.
Genome position (GRCh38, 1-based): chr10:67,219,731, G>A on the plus strand (C>T on the coding strand, the complement: CTNNA3 is on the minus strand). VCF-style: chr10-67219731-G-A. GRCh37 (hg19) VCF-style: chr10-68979489-G-A.
Other names: c.719C>T, p.Thr240Ile (NM_001127384.3); c.755C>T, p.Thr252Ile (NM_001291133.2); short protein forms T252I, T240I.
Identifiers: ClinVar variation 3498322 (VCV003498322.1).